The following is an entry in ClinVar:

NM_006929.5(SKIC2):c.3666G>A (p.Leu1222=)

Gene: SKIC2 (SKI2 subunit of superkiller complex; plus strand). Cytogenetic location: 6p21.33.
Variant type: single nucleotide variant.
Coding change: c.3666G>A on transcript NM_006929.5 (MANE Select); coding-DNA position 3666, G replaced by A.
Protein change: p.Leu1222=; no amino-acid change (leucine 1222 retained).
Molecular consequence: synonymous variant.
Genome position (GRCh38, 1-based): chr6:31,969,640, G>A. VCF-style: chr6-31969640-G-A. GRCh37 (hg19) VCF-style: chr6-31937417-G-A.
Other names: p.Leu1222=.
Identifiers: ClinVar variation 356353 (VCV000356353.41), dbSNP rs142860816, ClinGen allele CA3730108.

ClinVar aggregate classification (germline): Conflicting classifications of pathogenicity. Review status: criteria provided, conflicting classifications (1 of 4 stars). 7 submissions from 7 submitters: Uncertain significance (1); Benign (1); Likely benign (3). 2 of the submissions do not count toward it. Last evaluated 2026-01-28.

Conditions:
Trichohepatoenteric syndrome 2 (THES2). Identifiers: Orphanet 84064, MedGen C3281289, MONDO:0013818, OMIM 614602.

Allele frequency attached by ClinVar (database versions not stated): 1000 Genomes Project 30x 0.00078; gnomAD exomes 0.00096 and 0.00136; ExAC 0.00098; 1000 Genomes Project 0.00100; ESP Exome Variant Server 0.00154; gnomAD 0.00157 and 0.00168; TOPMed 0.00166.
gnomAD v4.1: 2,242 of 1,612,122 alleles (0.14%); highest among the groups gnomAD compares: African/African-American, 0.29%; 1 homozygote.

Submissions (7):

Labcorp Genetics (formerly Invitae), Labcorp
Classification: Benign. Last evaluated: 2026-01-28. Review status: criteria provided, single submitter. Criteria: Invitae Variant Classification Sherloc (09022015). Collection method: clinical testing. Allele origin: germline.

Mayo Clinic Laboratories, Mayo Clinic
Classification: Likely benign. Last evaluated: 2025-09-04. Review status: criteria provided, single submitter. Criteria: ACMG Guidelines, 2015. Collection method: clinical testing. Allele origin: germline. Observed: 3 variant alleles.
Comment: BS1, BP4, BP7

CeGaT Center for Human Genetics Tuebingen
Classification: Likely benign. Last evaluated: 2024-12-01. Review status: criteria provided, single submitter. Criteria: CeGaT Center For Human Genetics Tuebingen Variant Classification Criteria Version 2. Collection method: clinical testing. Allele origin: germline. Affected: yes. Observed: 3 variant alleles.
Comment: SKIC2: BP4, BP7

Blueprint Genetics
Classification: Likely benign. Last evaluated: 2024-11-22. Review status: criteria provided, single submitter. Criteria: ACMG Guidelines, 2015. Collection method: clinical testing. Allele origin: germline.

Illumina Laboratory Services, Illumina
Classification: Uncertain significance for Trichohepatoenteric syndrome 2. Last evaluated: 2018-01-12. Review status: criteria provided, single submitter. Criteria: ICSL Variant Classification Criteria 13 December 2019. Collection method: clinical testing. Allele origin: germline.

Clinical Genetics DNA and cytogenetics Diagnostics Lab, Erasmus MC, Erasmus Medical Center
Classification: Likely benign. Review status: no assertion criteria provided. Collection method: clinical testing. Allele origin: germline. Affected: yes. Study: VKGL Data-share Consensus. Not counted in ClinVar's aggregate classification.

Genome Diagnostics Laboratory, University Medical Center Utrecht
Classification: Likely benign. Review status: no assertion criteria provided. Collection method: clinical testing. Allele origin: germline. Affected: yes. Study: VKGL Data-share Consensus. Not counted in ClinVar's aggregate classification.